The following is an entry in ClinVar:

ClinVar aggregate classification (germline): Likely pathogenic. Review status: criteria provided, multiple submitters, no conflicts (2 of 4 stars). 2 submissions from 2 submitters: Likely pathogenic (2). Last evaluated 2023-10-13.

Allele frequency attached by ClinVar (database versions not stated): gnomAD exomes below 0.00001; ExAC 0.00001; gnomAD 0.00001; TOPMed 0.00001.

Submissions (2):

Labcorp Genetics (formerly Invitae), Labcorp
Classification: Likely pathogenic. Last evaluated: 2023-10-13. Review status: criteria provided, single submitter. Criteria: Invitae Variant Classification Sherloc (09022015). Collection method: clinical testing. Allele origin: germline.
Comment: This sequence change affects a donor splice site in intron 3 of the RHO gene. It is expected to disrupt RNA splicing. Variants that disrupt the donor or acceptor splice site typically lead to a loss of protein function (PMID: 16199547), and loss-of-function variants in RHO are known to be pathogenic (PMID: 1303237, 21174529). This variant is present in population databases (rs749356883, gnomAD 0.007%). This variant has not been reported in the literature in individuals affected with RHO-related conditions. ClinVar contains an entry for this variant (Variation ID: 847447). Algorithms developed to predict the effect of sequence changes on RNA splicing suggest that this variant may disrupt the consensus splice site. In summary, the currently available evidence indicates that the variant is pathogenic, but additional data are needed to prove that conclusively. Therefore, this variant has been classified as Likely Pathogenic.

Revvity Omics, Revvity
Classification: Likely pathogenic. Last evaluated: 2023-03-17. Review status: criteria provided, single submitter. Criteria: ACMG Guidelines, 2015. Collection method: clinical testing. Allele origin: germline.

Literature cited by the submitters: PubMed 16199547 (cited by Labcorp Genetics (formerly Invitae), Labcorp); PubMed 1303237 (cited by Labcorp Genetics (formerly Invitae), Labcorp); PubMed 21174529 (cited by Labcorp Genetics (formerly Invitae), Labcorp).

NM_000539.3(RHO):c.696+1G>C

Gene: RHO (rhodopsin; plus strand). Cytogenetic location: 3q22.1.
Variant type: single nucleotide variant.
Coding change: c.696+1G>C on transcript NM_000539.3 (MANE Select); the canonical splice donor site of the intron after coding-DNA position 696, G replaced by C.
Molecular consequence: splice donor variant.
Genome position (GRCh38, 1-based): chr3:129,532,417, G>C. VCF-style: chr3-129532417-G-C. GRCh37 (hg19) VCF-style: chr3-129251260-G-C.
Identifiers: ClinVar variation 847447 (VCV000847447.10), dbSNP rs749356883, ClinGen allele CA2607242.
Genomic context (GRCh38, chr3:129,532,417, plus strand): 5'-ACCATCCCCATGATTATCATCTTTTTCTGCTATGGGCAGCTCGTCTTCACCGTCAAGGAG[G>C]TACGGGCCGGGGGGTGGGCGGCCTCACGGCTCTGAGGGTCCAGCCCCCAGCATGCATCTG-3'